The following is an entry in ClinVar:

NM_022114.4(PRDM16):c.2595dup (p.Ile866fs)

Gene: PRDM16 (PR/SET domain 16; plus strand). Cytogenetic location: 1p36.32.
Variant type: Duplication.
Coding change: c.2595dup on transcript NM_022114.4 (MANE Select); coding-DNA position 2595, one base duplicated (C; older notation c.2595dupC).
Protein change: p.Ile866fs; shifts the reading frame from isoleucine 866.
Molecular consequence: frameshift variant.
Genome position (GRCh38, 1-based): chr1:3,412,792, C duplicated; the last of 4 consecutive C bases (chr1:3,412,789-3,412,792); duplicating any one gives the same sequence. VCF-style (leftmost placement, unchanged base first): chr1-3412788-A-AC. GRCh37 (hg19) VCF-style: chr1-3329352-A-AC.
Other names: c.2595dup, p.Ile866fs (NM_199454.3); short protein forms I866fs.
Identifiers: ClinVar variation 986273 (VCV000986273.3), dbSNP rs1643715509, ClinGen allele CA1139655459.

ClinVar aggregate classification (germline): Pathogenic (1 of 4 stars; one submission).

Conditions:
Inborn genetic diseases. Identifiers: MedGen C0950123, MeSH D030342.

Submission:

Ambry Genetics
Classification: Pathogenic for Inborn genetic diseases. Last evaluated: 2024-02-21. Review status: criteria provided, single submitter. Criteria: Ambry Variant Classification Scheme 2023. Collection method: clinical testing. Allele origin: germline.
Comment: The c.2595dupC (p.I866Hfs*117) alteration, located in coding exon 9 of the PRDM16 gene, results from a duplication of one nucleotide at position 2595, causing a translational frameshift with a predicted alternate stop codon after 117 amino acids. This alteration is expected to result in loss of function by premature protein truncation or nonsense-mediated mRNA decay. This variant was not reported in population-based cohorts in the Genome Aggregation Database (gnomAD). Based on the available evidence, this alteration is classified as pathogenic.